The following is an entry in ClinVar:

ClinVar aggregate classification (germline): Uncertain significance (1 of 4 stars; one submission).

Conditions:
Glycogen storage disease due to muscle and heart glycogen synthase deficiency. Also called: GSD 0b; MUSCLE GLYCOGEN SYNTHASE DEFICIENCY. Identifiers: Orphanet 137625, MedGen C1969054, MONDO:0012693, OMIM 611556.

Allele frequency attached by ClinVar (database versions not stated): gnomAD exomes below 0.00001; TOPMed below 0.00001; gnomAD 0.00001.
gnomAD v4.1: 2 of 1,613,732 alleles (0.00012%); highest among the groups gnomAD compares: Non-Finnish European, 0.00017%; no homozygotes.

Submission:

Labcorp Genetics (formerly Invitae), Labcorp
Classification: Uncertain significance for Glycogen storage disease due to muscle and heart glycogen synthase deficiency. Last evaluated: 2022-07-05. Review status: criteria provided, single submitter. Criteria: Invitae Variant Classification Sherloc (09022015). Collection method: clinical testing. Allele origin: germline.
Comment: This sequence change replaces glycine, which is neutral and non-polar, with arginine, which is basic and polar, at codon 338 of the GYS1 protein (p.Gly338Arg). This variant is present in population databases (no rsID available, gnomAD 0.0009%). This variant has not been reported in the literature in individuals affected with GYS1-related conditions. ClinVar contains an entry for this variant (Variation ID: 945364). Algorithms developed to predict the effect of missense changes on protein structure and function are either unavailable or do not agree on the potential impact of this missense change (SIFT: "Deleterious"; PolyPhen-2: "Benign"; Align-GVGD: "Class C15"). In summary, the available evidence is currently insufficient to determine the role of this variant in disease. Therefore, it has been classified as a Variant of Uncertain Significance.

NM_002103.5(GYS1):c.1012G>C (p.Gly338Arg)

Gene: GYS1 (glycogen synthase 1; minus strand). Cytogenetic location: 19q13.33.
Variant type: single nucleotide variant.
Coding change: c.1012G>C on transcript NM_002103.5 (MANE Select); coding-DNA position 1012, G replaced by C.
Protein change: p.Gly338Arg; replaces glycine 338 with arginine.
Molecular consequence: missense variant. On other transcripts: non-coding transcript variant (1).
Genome position (GRCh38, 1-based): chr19:48,982,305, C>G on the plus strand (G>C on the coding strand, the complement: GYS1 is on the minus strand). VCF-style: chr19-48982305-C-G. GRCh37 (hg19) VCF-style: chr19-49485562-C-G.
Other names: c.820G>C, p.Gly274Arg (NM_001161587.2); short protein forms G274R, G338R.
Identifiers: ClinVar variation 945364 (VCV000945364.9), dbSNP rs1214342035, ClinGen allele CA406763349.